The following is an entry in ClinVar:

NM_014780.5(CUL7):c.2612C>T (p.Ala871Val)

Gene: CUL7 (cullin 7; minus strand). Cytogenetic location: 6p21.1.
Variant type: single nucleotide variant.
Coding change: c.2612C>T on transcript NM_014780.5 (MANE Select); coding-DNA position 2612, C replaced by T.
Protein change: p.Ala871Val; replaces alanine 871 with valine.
Molecular consequence: missense variant.
Genome position (GRCh38, 1-based): chr6:43,046,284, G>A on the plus strand (C>T on the coding strand, the complement: CUL7 is on the minus strand). VCF-style: chr6-43046284-G-A. GRCh37 (hg19) VCF-style: chr6-43014022-G-A.
Other names: c.2708C>T, p.Ala903Val (NM_001168370.2, NM_001374872.1); c.2612C>T, p.Ala871Val (NM_001374873.1, NM_001374874.1); short protein forms A871V, A903V.
Identifiers: ClinVar variation 908514 (VCV000908514.13), dbSNP rs61732148, ClinGen allele CA3813788.
Genomic context (GRCh38, chr6:43,046,284, plus strand): 5'-TGGGAGAGTTACCTGATGAGGATGCCCCGGCGCATGTGCAGGGTGATGTAGTGGGAGCCG[G>A]CGCTGCCGTTGGACTCCCAATAGGTCTTGGGGTTGTGGTCCGTCAGCTTGCTGGCCCGGT-3'
Protein context (NP_055595.2, residues 861-881): PKTYWESNGS[Ala871Val]GSHYITLHMR

ClinVar aggregate classification (germline): Benign/Likely benign. Review status: criteria provided, multiple submitters, no conflicts (2 of 4 stars). 3 submissions from 3 submitters: Benign (2); Likely benign (1). Last evaluated 2026-05-11.

Conditions:
3M syndrome 1. Also called: 3-M Syndrome, CUL7-Related. Identifiers: Orphanet 2616, MedGen C2678312, MONDO:0010117, OMIM 273750.

Allele frequency attached by ClinVar (database versions not stated): TOPMed 0.01682; gnomAD 0.01767 and 0.01819; ExAC 0.02116; ESP Exome Variant Server 0.02014; 1000 Genomes Project 30x 0.01640; 1000 Genomes Project 0.01717.

Submissions (3):

Women's Health and Genetics/Laboratory Corporation of America, LabCorp
Classification: Likely benign. Last evaluated: 2026-05-11. Review status: criteria provided, single submitter. Criteria: LabCorp Variant Classification Summary - May 2015. Collection method: clinical testing. Allele origin: germline.

Labcorp Genetics (formerly Invitae), Labcorp
Classification: Benign. Last evaluated: 2026-02-04. Review status: criteria provided, single submitter. Criteria: Invitae Variant Classification Sherloc (09022015). Collection method: clinical testing. Allele origin: germline.

Illumina Laboratory Services, Illumina
Classification: Benign for 3M syndrome 1. Last evaluated: 2018-01-13. Review status: criteria provided, single submitter. Criteria: ICSL Variant Classification Criteria 13 December 2019. Collection method: clinical testing. Allele origin: germline.
Comment: This variant was observed in the ICSL laboratory as part of a predisposition screen in an ostensibly healthy population. It had not been previously curated by ICSL or reported in the Human Gene Mutation Database (HGMD: prior to June 1st, 2018), and was therefore a candidate for classification through an automated scoring system. Utilizing variant allele frequency, disease prevalence and penetrance estimates, and inheritance mode, an automated score was calculated to assess if this variant is too frequent to cause the disease. Based on the score and internal cut-off values, a variant classified as benign is not then subjected to further curation. The score for this variant resulted in a classification of benign for this disease.